The following is an entry in ClinVar:

NM_001286577.2(C2CD3):c.686G>T (p.Ser229Ile)

Gene: C2CD3 (C2 domain containing 3 centriole elongation regulator; minus strand). Cytogenetic location: 11q13.4.
Variant type: single nucleotide variant.
Coding change: c.686G>T on transcript NM_001286577.2 (MANE Select); coding-DNA position 686, G replaced by T.
Protein change: p.Ser229Ile; replaces serine 229 with isoleucine.
Molecular consequence: missense variant.
Genome position (GRCh38, 1-based): chr11:74,139,626, C>A on the plus strand (G>T on the coding strand, the complement: C2CD3 is on the minus strand). VCF-style: chr11-74139626-C-A. GRCh37 (hg19) VCF-style: chr11-73850671-C-A.
Other names: c.686G>T, p.Ser229Ile (NM_015531.6); short protein forms S229I.
Identifiers: ClinVar variation 1908442 (VCV001908442.2), dbSNP rs781516719, ClinGen allele CA6183169.

ClinVar aggregate classification (germline): Uncertain significance (1 of 4 stars; one submission).

Allele frequency attached by ClinVar (database versions not stated): gnomAD exomes 0.00001; gnomAD 0.00003; ExAC 0.00005; TOPMed 0.00005.
gnomAD v4.1: 21 of 1,613,310 alleles (0.0013%); highest among the groups gnomAD compares: African/African-American, 0.0093%; no homozygotes.

Submission:

Labcorp Genetics (formerly Invitae), Labcorp
Classification: Uncertain significance. Last evaluated: 2022-05-25. Review status: criteria provided, single submitter. Criteria: Invitae Variant Classification Sherloc (09022015). Collection method: clinical testing. Allele origin: germline.
Comment: This sequence change replaces serine, which is neutral and polar, with isoleucine, which is neutral and non-polar, at codon 229 of the C2CD3 protein (p.Ser229Ile). This variant is present in population databases (rs781516719, gnomAD 0.03%). This variant has not been reported in the literature in individuals affected with C2CD3-related conditions. Algorithms developed to predict the effect of missense changes on protein structure and function are either unavailable or do not agree on the potential impact of this missense change (SIFT: "Deleterious"; PolyPhen-2: "Possibly Damaging"; Align-GVGD: "Class C0"). In summary, the available evidence is currently insufficient to determine the role of this variant in disease. Therefore, it has been classified as a Variant of Uncertain Significance.